The following is an entry in ClinVar:

NM_000340.2(SLC2A2):c.902G>T (p.Arg301Leu)

Gene: SLC2A2 (solute carrier family 2 member 2; minus strand). Cytogenetic location: 3q26.2.
Variant type: single nucleotide variant.
Coding change: c.902G>T on transcript NM_000340.2 (MANE Select); coding-DNA position 902, G replaced by T.
Protein change: p.Arg301Leu; replaces arginine 301 with leucine.
Molecular consequence: missense variant.
Genome position (GRCh38, 1-based): chr3:171,005,346, C>A on the plus strand (G>T on the coding strand, the complement: SLC2A2 is on the minus strand). VCF-style: chr3-171005346-C-A. GRCh37 (hg19) VCF-style: chr3-170723135-C-A.
Other names: c.545G>T, p.Arg182Leu (NM_001278658.2); c.383G>T, p.Arg128Leu (NM_001278659.2); short protein forms R301L, R128L, R182L.
Identifiers: ClinVar variation 1983261 (VCV001983261.2), dbSNP rs374492763, ClinGen allele CA355488260.

ClinVar aggregate classification (germline): Uncertain significance (1 of 4 stars; one submission).

Conditions:
Fanconi-Bickel syndrome (FBS). Also called: Glycogen storage disease due to GLUT2 deficiency; PSEUDO-PHLORIZIN DIABETES; FANCONI SYNDROME WITH INTESTINAL MALABSORPTION AND GALACTOSE INTOLERANCE; HEPATIC GLYCOGENOSIS WITH AMINO ACIDURIA AND GLUCOSURIA; HEPATIC GLYCOGENOSIS WITH FANCONI NEPHROPATHY; HEPATORENAL GLYCOGENOSIS WITH RENAL FANCONI SYNDROME. Identifiers: Orphanet 2088, MedGen C3495427, MONDO:0009216, OMIM 227810.

Submission:

Labcorp Genetics (formerly Invitae), Labcorp
Classification: Uncertain significance for Fanconi-Bickel syndrome. Last evaluated: 2022-07-20. Review status: criteria provided, single submitter. Criteria: Invitae Variant Classification Sherloc (09022015). Collection method: clinical testing. Allele origin: germline.
Comment: This sequence change replaces arginine, which is basic and polar, with leucine, which is neutral and non-polar, at codon 301 of the SLC2A2 protein (p.Arg301Leu). In summary, the available evidence is currently insufficient to determine the role of this variant in disease. Therefore, it has been classified as a Variant of Uncertain Significance. Advanced modeling of protein sequence and biophysical properties (such as structural, functional, and spatial information, amino acid conservation, physicochemical variation, residue mobility, and thermodynamic stability) performed at Invitae indicates that this missense variant is expected to disrupt SLC2A2 protein function. This variant has not been reported in the literature in individuals affected with SLC2A2-related conditions. This variant is present in population databases (no rsID available, gnomAD 0.004%).